The following is an entry in ClinVar:

ClinVar aggregate classification (germline): Likely pathogenic (1 of 4 stars; one submission).

Conditions:
Peters plus syndrome. Also called: KRAUSE-KIVLIN SYNDROME. Identifiers: Orphanet 709, MedGen C0796012, MONDO:0009856, OMIM 261540.

Submission:

Women's Health and Genetics/Laboratory Corporation of America, LabCorp
Classification: Likely pathogenic for Peters plus syndrome. Last evaluated: 2022-04-18. Review status: criteria provided, single submitter. Criteria: LabCorp Variant Classification Summary - May 2015. Collection method: clinical testing. Allele origin: germline.
Comment: Variant summary: B3GALTL c.1184+1G>A is located in a canonical splice-site and is predicted to affect mRNA splicing resulting in a significantly altered protein due to either exon skipping, shortening, or inclusion of intronic material. Several computational tools predict a significant impact on normal splicing: Three predict the variant abolishes a 5 splicing donor site. However, these predictions have yet to be confirmed by functional studies. The variant was absent in 251456 control chromosomes. To our knowledge, no occurrence of c.1184+1G>A in individuals affected with Peters Plus Syndrome and no experimental evidence demonstrating its impact on protein function have been reported. No clinical diagnostic laboratories have submitted clinical-significance assessments for this variant to ClinVar after 2014. Based on the evidence outlined above, the variant was classified as likely pathogenic.

NM_194318.4(B3GLCT):c.1184+1G>A

Gene: B3GLCT (beta 3-glucosyltransferase; plus strand). Cytogenetic location: 13q12.3.
Variant type: single nucleotide variant.
Coding change: c.1184+1G>A on transcript NM_194318.4 (MANE Select); the canonical splice donor site of the intron after coding-DNA position 1184, G replaced by A.
Molecular consequence: splice donor variant.
Genome position (GRCh38, 1-based): chr13:31,317,686, G>A. VCF-style: chr13-31317686-G-A. GRCh37 (hg19) VCF-style: chr13-31891823-G-A.
Identifiers: ClinVar variation 1696069 (VCV001696069.1), dbSNP rs2137936107, ClinGen allele CA387819194.